The following is an entry in ClinVar:

NM_000051.4(ATM):c.6095+1G>A

Genes: ATM (ATM serine/threonine kinase; plus strand), C11orf65 (chromosome 11 open reading frame 65; minus strand). Cytogenetic location: 11q22.3.
Variant type: single nucleotide variant.
Coding change: c.6095+1G>A on transcript NM_000051.4 (MANE Select); the canonical splice donor site of the intron after coding-DNA position 6095, G replaced by A.
Molecular consequence: splice donor variant. On other transcripts: intron variant (2).
Genome position (GRCh38, 1-based): chr11:108,315,912, G>A. VCF-style: chr11-108315912-G-A. GRCh37 (hg19) VCF-style: chr11-108186639-G-A.
Other names: c.6095+1G>A (NM_001351834.2); c.641-6841C>T (NM_001330368.2); c.*39-6841C>T (NM_001351110.2).
Identifiers: ClinVar variation 141218 (VCV000141218.58), dbSNP rs587781584, ClinGen allele CA164796.

ClinVar aggregate classification (germline): Pathogenic/Likely pathogenic. Review status: criteria provided, multiple submitters, no conflicts (2 of 4 stars). 9 submissions from 9 submitters: Pathogenic (2); Likely pathogenic (7). Last evaluated 2026-03-26.

Conditions:
Hereditary cancer-predisposing syndrome. Also called: Neoplastic Syndromes, Hereditary; Hereditary Cancer Syndrome; Tumor predisposition; Hereditary neoplastic syndrome. Identifiers: Orphanet 140162, MedGen C0027672, MeSH D009386, MONDO:0015356.
Familial cancer of breast. Also called: BREAST CANCER, FAMILIAL; hereditary breast carcinoma; Hereditary breast cancer. Identifiers: Orphanet 227535, MedGen C0346153, MONDO:0016419, OMIM 114480. Disease mechanism: loss of function.
Ataxia-telangiectasia syndrome (AT). Also called: Ataxia-telangiectasia, complementation group D; AT, COMPLEMENTATION GROUP C; Ataxia-telangiectasia; ATAXIA-TELANGIECTASIA, COMPLEMENTATION GROUP A; ATAXIA-TELANGIECTASIA, FRESNO VARIANT; Ataxia-telangiectasia, complementation group E. Identifiers: Orphanet 100, MedGen C0004135, MONDO:0008840, OMIM 208900.

Allele frequency attached by ClinVar (database versions not stated): gnomAD 0.00001; TOPMed 0.00001.
gnomAD v4.1: 1 of 1,610,354 alleles (0.000062%); highest among the groups gnomAD compares: Non-Finnish European, 0.000085%; no homozygotes.

Submissions (9):

GeneDx
Classification: Likely pathogenic. Last evaluated: 2026-03-26. Review status: criteria provided, single submitter. Criteria: GeneDx Variant Classification Process June 2021. Collection method: clinical testing. Allele origin: germline.
Comment: Canonical splice site variant predicted to result in a null allele in a gene for which loss of function is a known mechanism of disease; Not observed at significant frequency in large population cohorts (gnomAD); Observed in individuals with a personal and/or family history of breast and ovarian cancer (PMID: 28888541, 19781682); This variant is associated with the following publications: (PMID: 33442023, 28888541, 34284872, 35171259, 19781682)

Greenwood Genetic Center Diagnostic Laboratories, Greenwood Genetic Center
Classification: Likely pathogenic for Familial cancer of breast. Last evaluated: 2025-12-10. Review status: criteria provided, single submitter. Criteria: ACMG Guidelines, 2015. Collection method: clinical testing. Allele origin: germline.
Comment: PVS1, PM2

Natera, Inc.
Classification: Likely pathogenic for Ataxia-telangiectasia. Last evaluated: 2025-08-19. Review status: criteria provided, single submitter. Criteria: Natera Variant Classification Schema (03/2026). Collection method: clinical testing. Allele origin: germline.
Comment: The c.6095+1G>A variant in ATM is a canonical splice donor site variant predicted to affect pre-mRNA splicing, which may result in an abnormal transcript and altered protein product. This variant is expected to result in nonsense mediated decay, truncation, or a dysfunctional protein product. This variant is rare in the general population with a frequency below the threshold expected for the associated phenotype(s). Given the available evidence, this variant is classified as Likely Pathogenic.

Labcorp Genetics (formerly Invitae), Labcorp
Classification: Likely pathogenic for Ataxia-telangiectasia syndrome. Last evaluated: 2025-07-31. Review status: criteria provided, single submitter. Criteria: Invitae Variant Classification Sherloc (09022015). Collection method: clinical testing. Allele origin: germline.
Comment: This sequence change affects a donor splice site in intron 41 of the ATM gene. It is expected to disrupt RNA splicing. Variants that disrupt the donor or acceptor splice site typically lead to a loss of protein function (PMID: 16199547), and loss-of-function variants in ATM are known to be pathogenic (PMID: 23807571, 25614872). This variant is not present in population databases (gnomAD no frequency). Disruption of this splice site has been observed in individual(s) with breast cancer, renal cell cancer, ovarian, and pancreatic cancer (PMID: 19781682, 28888541, 33442023, 34284872, 35171259). ClinVar contains an entry for this variant (Variation ID: 141218). Algorithms developed to predict the effect of sequence changes on RNA splicing suggest that this variant may disrupt the consensus splice site. In summary, the currently available evidence indicates that the variant is pathogenic, but additional data are needed to prove that conclusively. Therefore, this variant has been classified as Likely Pathogenic.

Ambry Genetics
Classification: Pathogenic for Hereditary cancer-predisposing syndrome. Last evaluated: 2024-09-13. Review status: criteria provided, single submitter. Criteria: Ambry Variant Classification Scheme 2023. Collection method: clinical testing. Allele origin: germline.
Comment: The c.6095+1G>A intronic pathogenic variant results from a G to A substitution one nucleotide after coding exon 40 of the ATM gene. This variant was reported in two breast cancer patients and was predicted to result in protein truncation due to a defect of the donor splice site (Tavtigian SV et al. Am J Hum Genet. 2009 Oct;85(4):427-46). This alteration was also identified in 1 of 1009 patients amongst a cohort of Chinese patients with a personal history of pancreatic ductal adenocarcinoma (Yin L et al. JAMA Netw Open, 2022 Feb;5:e2148721). This variant is considered to be rare based on population cohorts in the Genome Aggregation Database (gnomAD). This nucleotide position is highly conserved on sequence alignment. In silico splice site analysis predicts that this alteration will weaken the native splice donor site. RNA studies have demonstrated that this alteration results in abnormal splicing in the set of samples tested (Ambry internal data). Another alteration impacting the same donor site (p.R2032K (c.6095G>A)) has been shown to have a similar impact on splicing (Ambry internal data) and has has been described in several individuals with ataxia-telangiectasia (Li A and Swift M. Am. J. Med. Genet. 2000 May;92:170-7; Mitui M et al. Ann. Hum. Genet. 2005 Nov;69(Pt 6):657-64. Podralska MJ et al. Mol Genet Genomic Med. 2014 Nov;2:504-11; Beier R et al. Bone Marrow Transplant. 2016 09;51:1271-4). Alterations that disrupt the canonical splice site are expected to cause aberrant splicing, resulting in an abnormal protein or a transcript that is subject to nonsense-mediated mRNA decay. As such, this alteration is classified as a disease-causing mutation.

Myriad Genetics, Inc.
Classification: Likely pathogenic for Familial cancer of breast. Last evaluated: 2024-01-29. Review status: criteria provided, single submitter. Criteria: Myriad Autosomal Dominant, Autosomal Recessive and X-Linked Classification Criteria (2023). Collection method: clinical testing. Allele origin: unknown.
Comment: This variant is considered likely pathogenic. This variant occurs within a consensus splice junction and is predicted to result in abnormal mRNA splicing of either an out-of-frame exon or an in-frame exon necessary for protein stability and/or normal function.

Baylor Genetics
Classification: Pathogenic for Familial cancer of breast. Last evaluated: 2022-07-07. Review status: criteria provided, single submitter. Criteria: ACMG Guidelines, 2015. Collection method: clinical testing. Allele origin: unknown.

Clinical Genetics Laboratory, Skane University Hospital Lund
Classification: Likely pathogenic. Last evaluated: 2022-05-27. Review status: criteria provided, single submitter. Criteria: ACMG Guidelines, 2015. Collection method: clinical testing. Allele origin: germline. Affected: yes.

Women's Health and Genetics/Laboratory Corporation of America, LabCorp
Classification: Likely pathogenic for Ataxia-telangiectasia syndrome. Last evaluated: 2018-07-09. Review status: criteria provided, single submitter. Criteria: LabCorp Variant Classification Summary - May 2015. Collection method: clinical testing. Allele origin: germline.
Comment: Variant summary: ATM c.6095+1G>A is located in a canonical splice-site and is predicted to affect mRNA splicing resulting in a significantly altered protein due to either exon skipping, shortening, or inclusion of intronic material. Several computational tools predict a significant impact on normal splicing: Four predict the variant abolishes a 5 splicing donor site. However, these predictions have yet to be confirmed by functional studies. The variant was absent in 121252 control chromosomes. c.6095+1G>A has been reported in the literature in individuals affected with breast cancer from a meta-analysis of cases and controls (Tavtigian_2009). These data indicate that the variant may be associated with disease. To our knowledge, no experimental evidence demonstrating an impact on protein function has been reported. One clinical diagnostic laboratory has submitted clinical-significance assessments for this variant to ClinVar after 2014 without evidence for independent evaluation. One laboratory classified the variant as pathogenic/likely pathogenic. Based on the evidence outlined above, the variant was classified as likely pathogenic.

Literature cited by the submitters: PubMed 16199547 (cited by Labcorp Genetics (formerly Invitae), Labcorp); PubMed 23807571 (cited by Labcorp Genetics (formerly Invitae), Labcorp); PubMed 25614872 (cited by Labcorp Genetics (formerly Invitae), Labcorp); PubMed 19781682 (cited by Labcorp Genetics (formerly Invitae), Labcorp and Women's Health and Genetics/Laboratory Corporation of America, LabCorp); PubMed 28888541 (cited by Labcorp Genetics (formerly Invitae), Labcorp); PubMed 33442023 (cited by Labcorp Genetics (formerly Invitae), Labcorp); PubMed 34284872 (cited by Labcorp Genetics (formerly Invitae), Labcorp); PubMed 35171259 (cited by Labcorp Genetics (formerly Invitae), Labcorp and Ambry Genetics); PubMed 25525159 (cited by Ambry Genetics).